The following is an entry in ClinVar:

NC_000009.12:g.35658033_35658040dup

Gene: RMRP (RNA component of mitochondrial RNA processing endoribonuclease; minus strand). Cytogenetic location: 9p13.3.
Variant type: Duplication.
Genome position: GRCh38 VCF-style: chr9-35658032-C-CACAGAGTA. GRCh37 (hg19) VCF-style: chr9-35658029-C-CACAGAGTA.
Identifiers: ClinVar variation 632971 (VCV000632971.11), dbSNP rs1563908212, ClinGen allele CA913189487.

ClinVar aggregate classification (germline): Pathogenic/Likely pathogenic. Review status: criteria provided, multiple submitters, no conflicts (2 of 4 stars). 3 submissions from 3 submitters: Pathogenic (1); Likely pathogenic (2). Last evaluated 2025-07-07.

Conditions:
Anauxetic dysplasia. Identifiers: Orphanet 93347, MedGen C1846796, MONDO:0011773.
Metaphyseal chondrodysplasia, McKusick type (CHH). Also called: Cartilage-hair hypoplasia; Cartilage-Hair Hypoplasia (CHH). Identifiers: Orphanet 175, MedGen C0220748, MONDO:0009595, OMIM 250250.

Allele frequency attached by ClinVar (database versions not stated): gnomAD exomes below 0.00001; TOPMed below 0.00001; gnomAD 0.00001.

Submissions (3):

Natera, Inc.
Classification: Likely pathogenic for Cartilage-hair hypoplasia. Last evaluated: 2025-07-07. Review status: criteria provided, single submitter. Criteria: Natera Variant Classification Schema (03/2026). Collection method: clinical testing. Allele origin: germline.
Comment: The n.-22_-15dupTACTCTGT variant in RMRP is a duplication affecting the RMRP promoter region between the TATA box and the transcription initiation site. Other duplications and insertions just upstream of the transcription initiation site have been reported in individuals affected with cartilage-hair hypoplasia (PMID: 11207361, 17937437). This variant is rare in the general population with a frequency below the threshold expected for the associated phenotype(s). Given the available evidence, this variant is classified as Likely pathogenic.

Labcorp Genetics (formerly Invitae), Labcorp
Classification: Pathogenic for Anauxetic dysplasia. Last evaluated: 2023-11-18. Review status: criteria provided, single submitter. Criteria: Invitae Variant Classification Sherloc (09022015). Collection method: clinical testing. Allele origin: germline.
Comment: This variant occurs in the RMRP gene, which encodes an RNA molecule that does not result in a protein product. This variant is not present in population databases (gnomAD no frequency). While this particular variant has not been reported in the literature, it is located in the promoter region between the TATA box and the transcription initiation site, and other insertions and duplications immediately upstream of the coding sequence have been reported in individuals affected with cartilage-hair hypoplasia-anauxetic dysplasia (CHH-AD) spectrum disorders (PMID: 16244706, 11207361, 12107819). While functional studies for this variant have not been reported, experimental analyses using patient derived cells, as well as in vitro transfection studies, have shown that promoter insertions result in silencing of RMRP transcription and reduced expression of the gene product (PMID: 11207361, 16254002). For these reasons, this variant has been classified as Pathogenic.

Women's Health and Genetics/Laboratory Corporation of America, LabCorp
Classification: Likely pathogenic for Metaphyseal chondrodysplasia, McKusick type. Last evaluated: 2018-03-29. Review status: criteria provided, single submitter. Criteria: LabCorp Variant Classification Summary - May 2015. Collection method: clinical testing. Allele origin: germline.
Comment: Variant summary: RMRP n.-22_-15dupTACTCTGT variant involves the duplication of 8 nucleotides in the promoter region of RMRP, which is located between the TATA box (-33 to -25) and the transcription initiation site. Multiple duplication variants in this promoter region have been reported pathogenic (internally and in HGMD). The variant was absent in 119574 control chromosomes in gnomAD. To our knowledge, no occurrence of n.-22_-15dupTACTCTGT in individuals affected with Cartilage-Hair Hypoplasia and no experimental evidence demonstrating its impact on protein function have been reported. No clinical diagnostic laboratories have submitted clinical-significance assessments for this variant to ClinVar after 2014. Based on the evidence outlined above, the variant was classified as likely pathogenic.

Literature cited by the submitters: PubMed 11207361 (cited by Natera, Inc. and Labcorp Genetics (formerly Invitae), Labcorp); PubMed 17937437 (cited by Natera, Inc.); PubMed 16244706 (cited by Labcorp Genetics (formerly Invitae), Labcorp); PubMed 12107819 (cited by Labcorp Genetics (formerly Invitae), Labcorp); PubMed 16254002 (cited by Labcorp Genetics (formerly Invitae), Labcorp).